The following is an entry in ClinVar:

NM_001126108.2(SLC12A3):c.599C>G (p.Ser200Ter)

Gene: SLC12A3 (solute carrier family 12 member 3; plus strand). Cytogenetic location: 16q13.
Variant type: single nucleotide variant.
Coding change: c.599C>G on transcript NM_001126108.2 (MANE Select); coding-DNA position 599, C replaced by G.
Protein change: p.Ser200Ter; replaces serine 200 with a stop codon.
Molecular consequence: nonsense.
Genome position (GRCh38, 1-based): chr16:56,869,822, C>G. VCF-style: chr16-56869822-C-G. GRCh37 (hg19) VCF-style: chr16-56903734-C-G.
Other names: c.599C>G, p.Ser200Ter (NM_000339.3); c.596C>G, p.Ser199Ter (NM_001126107.2, NM_001410896.1); short protein forms S199*, S200*.
Identifiers: ClinVar variation 3254908 (VCV003254908.1), dbSNP rs2543480089.

ClinVar aggregate classification (germline): Pathogenic (1 of 4 stars; one submission).

Conditions:
Familial hypokalemia-hypomagnesemia (GTLMNS). Also called: HYPOMAGNESEMIA-HYPOKALEMIA, PRIMARY RENOTUBULAR, WITH HYPOCALCIURIA; POTASSIUM AND MAGNESIUM DEPLETION; gitelman syndrome. Identifiers: Orphanet 358, MedGen C0268450, MONDO:0009904, OMIM 263800.

Submission:

Victorian Clinical Genetics Services, Murdoch Childrens Research Institute
Classification: Pathogenic for Familial hypokalemia-hypomagnesemia. Last evaluated: 2023-07-17. Review status: criteria provided, single submitter. Criteria: ACMG Guidelines, 2015. Collection method: clinical testing. Allele origin: germline. Inheritance: Autosomal recessive inheritance. Affected: yes.
Comment: Based on the classification scheme VCGS_Germline_v1.3.4, this variant is classified as Pathogenic. Following criteria are met: 0102 - Loss of function is a known mechanism of disease in this gene and is associated with Gitelman syndrome (MIM#263800). (I) 0106 - This gene is associated with autosomal recessive disease. (I) 0201 - Variant is predicted to cause nonsense-mediated decay (NMD) and loss of protein (premature termination codon is located at least 54 nucleotides upstream of the final exon-exon junction). (SP) 0252 - This variant is homozygous. (I) 0301 - Variant is absent from gnomAD (both v2 and v3). (SP) 0701 - Other NMD-predicted variants comparable to the one identified in this case have very strong previous evidence for pathogenicity (DECIPHER). (SP) 0807 - This variant has no previous evidence of pathogenicity. (I) 0905 - No published segregation evidence has been identified for this variant. (I) 1007 - No published functional evidence has been identified for this variant. (I) Legend: (SP) - Supporting pathogenic, (I) - Information, (SB) - Supporting benign